The following is an entry in ClinVar:

ClinVar aggregate classification (germline): Likely benign. Review status: criteria provided, multiple submitters, no conflicts (2 of 4 stars). 3 submissions from 3 submitters: Likely benign (3). Last evaluated 2026-04-14.

Conditions:
Intellectual developmental disorder, autosomal dominant 1. Also called: MBD5 Haploinsufficiency; Intellectual disability, autosomal dominant 1. Identifiers: Orphanet 228402, MedGen C1969562, MONDO:0007974, OMIM 156200.

Allele frequency attached by ClinVar (database versions not stated): gnomAD 0.00003; TOPMed 0.00003; 1000 Genomes Project 0.00020; gnomAD exomes 0.00004; ExAC 0.00005; ESP Exome Variant Server 0.00008; 1000 Genomes Project 30x 0.00016.
gnomAD v4.1: 40 of 1,613,938 alleles (0.0025%); highest among the groups gnomAD compares: Middle Eastern, 0.033%; no homozygotes.

Submissions (3):

Women's Health and Genetics/Laboratory Corporation of America, LabCorp
Classification: Likely benign. Last evaluated: 2026-04-14. Review status: criteria provided, single submitter. Criteria: LabCorp Variant Classification Summary - May 2015. Collection method: clinical testing. Allele origin: germline.

Labcorp Genetics (formerly Invitae), Labcorp
Classification: Likely benign for Intellectual developmental disorder, autosomal dominant 1. Last evaluated: 2026-01-12. Review status: criteria provided, single submitter. Criteria: Invitae Variant Classification Sherloc (09022015). Collection method: clinical testing. Allele origin: germline.

GeneDx
Classification: Likely benign. Last evaluated: 2017-05-05. Review status: criteria provided, single submitter. Criteria: GeneDx Variant Classification (06012015). Collection method: clinical testing. Allele origin: germline. Affected: yes.
Comment: This variant is considered likely benign or benign based on one or more of the following criteria: it is a conservative change, it occurs at a poorly conserved position in the protein, it is predicted to be benign by multiple in silico algorithms, and/or has population frequency not consistent with disease.

NM_001378120.1(MBD5):c.1962C>T (p.Asp654=)

Gene: MBD5 (methyl-CpG binding domain protein 5; plus strand). Cytogenetic location: 2q23.1.
Variant type: single nucleotide variant.
Coding change: c.1962C>T on transcript NM_001378120.1 (MANE Select); coding-DNA position 1962, C replaced by T.
Protein change: p.Asp654=; no amino-acid change (aspartic acid 654 retained).
Molecular consequence: synonymous variant.
Genome position (GRCh38, 1-based): chr2:148,469,905, C>T. VCF-style: chr2-148469905-C-T. GRCh37 (hg19) VCF-style: chr2-149227474-C-T.
Other names: c.1962C>T, p.Asp654= (NM_018328.5).
Identifiers: ClinVar variation 413945 (VCV000413945.10), dbSNP rs139953766, ClinGen allele CA1900080.
Genomic context (GRCh38, chr2:148,469,905, plus strand): 5'-AGGTGAAGGGCAAAGTGGTCGAGCAGCACTAAGAGATAAGCTGATGTCTCAGCAAAAAGA[C>T]GCATTGCGGAAAAGAAAACAACCACCTACGACAGTGTTGAGTTTGCTCAGACAGTCTCAA-3'
Protein context (NP_001365049.1, residues 644-664): LRDKLMSQQK[Asp654=]ALRKRKQPPT